The following is an entry in ClinVar:

NM_017950.4(CCDC40):c.1528G>A (p.Asp510Asn)

Gene: CCDC40 (coiled-coil domain 40 molecular ruler complex subunit; plus strand). Cytogenetic location: 17q25.3.
Variant type: single nucleotide variant.
Coding change: c.1528G>A on transcript NM_017950.4 (MANE Select); coding-DNA position 1528, G replaced by A.
Protein change: p.Asp510Asn; replaces aspartic acid 510 with asparagine.
Molecular consequence: missense variant.
Genome position (GRCh38, 1-based): chr17:80,065,572, G>A. VCF-style: chr17-80065572-G-A. GRCh37 (hg19) VCF-style: chr17-78039371-G-A.
Other names: c.1528G>A, p.Asp510Asn (NM_001243342.2, NM_001330508.2); short protein forms D510N.
Identifiers: ClinVar variation 1518271 (VCV001518271.9), dbSNP rs1449822865, ClinGen allele CA401327107.

ClinVar aggregate classification (germline): Uncertain significance. Review status: criteria provided, multiple submitters, no conflicts (2 of 4 stars). 2 submissions from 2 submitters: Uncertain significance (2). Last evaluated 2025-09-28.

Conditions:
Primary ciliary dyskinesia. Also called: Ciliary dyskinesia. Identifiers: Orphanet 244, MedGen C0008780, MONDO:0016575, HP:0012265.

Allele frequency attached by ClinVar (database versions not stated): gnomAD exomes below 0.00001; gnomAD 0.00001.
gnomAD v4.1: 12 of 1,612,774 alleles (0.00074%); highest among the groups gnomAD compares: Non-Finnish European, 0.001%; no homozygotes.

Submissions (2):

Ambry Genetics
Classification: Uncertain significance for Primary ciliary dyskinesia. Last evaluated: 2025-09-28. Review status: criteria provided, single submitter. Criteria: Ambry Variant Classification Scheme 2023. Collection method: clinical testing. Allele origin: germline.

Labcorp Genetics (formerly Invitae), Labcorp
Classification: Uncertain significance for Primary ciliary dyskinesia. Last evaluated: 2022-08-15. Review status: criteria provided, single submitter. Criteria: Invitae Variant Classification Sherloc (09022015). Collection method: clinical testing. Allele origin: germline.
Comment: This sequence change replaces aspartic acid, which is acidic and polar, with asparagine, which is neutral and polar, at codon 510 of the CCDC40 protein (p.Asp510Asn). This variant is not present in population databases (gnomAD no frequency). In summary, the available evidence is currently insufficient to determine the role of this variant in disease. Therefore, it has been classified as a Variant of Uncertain Significance. Algorithms developed to predict the effect of missense changes on protein structure and function output the following: SIFT: "Tolerated"; PolyPhen-2: "Benign"; Align-GVGD: "Class C0". The asparagine amino acid residue is found in multiple mammalian species, which suggests that this missense change does not adversely affect protein function. ClinVar contains an entry for this variant (Variation ID: 1518271). This variant has not been reported in the literature in individuals affected with CCDC40-related conditions.